The following is an entry in ClinVar:

ClinVar aggregate classification (germline): Uncertain significance. Review status: criteria provided, multiple submitters, no conflicts (2 of 4 stars). 2 submissions from 2 submitters: Uncertain significance (2). Last evaluated 2022-07-29.

Allele frequency attached by ClinVar (database versions not stated): gnomAD exomes below 0.00001; gnomAD 0.00001; TOPMed 0.00001; ExAC 0.00002.
gnomAD v4.1: 4 of 1,613,912 alleles (0.00025%); highest among the groups gnomAD compares: Non-Finnish European, 0.00025%; no homozygotes.

Submissions (2):

Labcorp Genetics (formerly Invitae), Labcorp
Classification: Uncertain significance. Last evaluated: 2022-07-29. Review status: criteria provided, single submitter. Criteria: Invitae Variant Classification Sherloc (09022015). Collection method: clinical testing. Allele origin: germline.
Comment: Algorithms developed to predict the effect of missense changes on protein structure and function are either unavailable or do not agree on the potential impact of this missense change (SIFT: "Tolerated"; PolyPhen-2: "Probably Damaging"; Align-GVGD: "Class C0"). This sequence change replaces tyrosine, which is neutral and polar, with cysteine, which is neutral and slightly polar, at codon 484 of the ADCY10 protein (p.Tyr484Cys). This variant is present in population databases (rs767673328, gnomAD 0.002%). This variant has not been reported in the literature in individuals affected with ADCY10-related conditions. In summary, the available evidence is currently insufficient to determine the role of this variant in disease. Therefore, it has been classified as a Variant of Uncertain Significance.

Ambry Genetics
Classification: Uncertain significance. Last evaluated: 2021-07-16. Review status: criteria provided, single submitter. Criteria: Ambry Variant Classification Scheme 2023. Collection method: clinical testing. Allele origin: germline.

NM_018417.6(ADCY10):c.1451A>G (p.Tyr484Cys)

Genes: ADCY10 (adenylate cyclase 10; minus strand), DCAF6 (DDB1 and CUL4 associated factor 6; plus strand). Cytogenetic location: 1q24.2.
Variant type: single nucleotide variant.
Coding change: c.1451A>G on transcript NM_018417.6 (MANE Select); coding-DNA position 1451, A replaced by G.
Protein change: p.Tyr484Cys; replaces tyrosine 484 with cysteine.
Molecular consequence: missense variant.
Genome position (GRCh38, 1-based): chr1:167,875,142, T>C on the plus strand (A>G on the coding strand, the complement: ADCY10 is on the minus strand). VCF-style: chr1-167875142-T-C. GRCh37 (hg19) VCF-style: chr1-167844380-T-C.
Other names: c.992A>G, p.Tyr331Cys (NM_001167749.3); c.1175A>G, p.Tyr392Cys (NM_001297772.2); short protein forms Y331C, Y392C, Y484C.
Identifiers: ClinVar variation 1714660 (VCV001714660.7), dbSNP rs767673328, ClinGen allele CA1227940.